The following is an entry in ClinVar:

ClinVar aggregate classification (germline): Uncertain significance (1 of 4 stars; one submission).

gnomAD v4.1: 1 of 1,517,488 alleles (0.000066%); no homozygotes.

Submission:

Labcorp Genetics (formerly Invitae), Labcorp
Classification: Uncertain significance. Last evaluated: 2022-02-19. Review status: criteria provided, single submitter. Criteria: Invitae Variant Classification Sherloc (09022015). Collection method: clinical testing. Allele origin: germline.
Comment: This sequence change replaces proline, which is neutral and non-polar, with histidine, which is basic and polar, at codon 22 of the SLC1A4 protein (p.Pro22His). This variant is not present in population databases (gnomAD no frequency). This variant has not been reported in the literature in individuals affected with SLC1A4-related conditions. Algorithms developed to predict the effect of missense changes on protein structure and function are either unavailable or do not agree on the potential impact of this missense change (SIFT: "Deleterious"; PolyPhen-2: "Benign"; Align-GVGD: "Class C0"). In summary, the available evidence is currently insufficient to determine the role of this variant in disease. Therefore, it has been classified as a Variant of Uncertain Significance.

NM_003038.5(SLC1A4):c.65C>A (p.Pro22His)

Gene: SLC1A4 (solute carrier family 1 member 4; plus strand). Cytogenetic location: 2p14.
Variant type: single nucleotide variant.
Coding change: c.65C>A on transcript NM_003038.5 (MANE Select); coding-DNA position 65, C replaced by A.
Protein change: p.Pro22His; replaces proline 22 with histidine.
Molecular consequence: missense variant. On other transcripts: intron variant (3).
Genome position (GRCh38, 1-based): chr2:64,989,708, C>A. VCF-style: chr2-64989708-C-A. GRCh37 (hg19) VCF-style: chr2-65216842-C-A.
Other names: c.-134+1088C>A (NM_001348406.2, NM_001193493.2); c.-134+1154C>A (NM_001348407.2); short protein forms P22H.
Identifiers: ClinVar variation 2099406 (VCV002099406.1), dbSNP rs201175768, ClinGen allele CA347078020.